The following is an entry in ClinVar:

NM_005055.5(RAPSN):c.3G>T (p.Met1Ile)

Gene: RAPSN (receptor associated protein of the synapse; minus strand). Cytogenetic location: 11p11.2.
Variant type: single nucleotide variant.
Coding change: c.3G>T on transcript NM_005055.5 (MANE Select); coding-DNA position 3, G replaced by T.
Protein change: p.Met1Ile; changes the start codon (methionine 1).
Molecular consequence: missense variant, initiator codon variant.
Genome position (GRCh38, 1-based): chr11:47,448,962, C>A on the plus strand (G>T on the coding strand, the complement: RAPSN is on the minus strand). VCF-style: chr11-47448962-C-A. GRCh37 (hg19) VCF-style: chr11-47470514-C-A.
Other names: c.3G>T, p.Met1Ile (NM_032645.5); short protein forms M1I.
Identifiers: ClinVar variation 2166080 (VCV002166080.6), dbSNP rs2496138843, ClinGen allele CA380337460.

ClinVar aggregate classification (germline): Pathogenic. Review status: criteria provided, multiple submitters, no conflicts (2 of 4 stars). 2 submissions from 2 submitters: Pathogenic (2). Last evaluated 2026-06-16.

Conditions:
Fetal akinesia deformation sequence 1 (FADS1). Also called: Pena-Shokeir syndrome type I; Fetal akinesia sequence. Identifiers: Orphanet 994, MedGen C1276035, MONDO:0100101, OMIM 208150, HP:0001989.
Congenital myasthenic syndrome 11. Also called: MYASTHENIC SYNDROME, CONGENITAL, Ie; Myasthenic syndrome, congenital, 11, associated with acetylcholine receptor deficiency. Identifiers: Orphanet 590, MedGen C4225367, MONDO:0014588, OMIM 616326.
Congenital myasthenic syndrome (CMS). Also called: Congenital Myasthenic Syndromes. Identifiers: Orphanet 590, MedGen C0751882, MeSH D020294, MONDO:0018940.

Submissions (2):

Women's Health and Genetics/Laboratory Corporation of America, LabCorp
Classification: Pathogenic for Congenital myasthenic syndrome. Last evaluated: 2026-06-16. Review status: criteria provided, single submitter. Criteria: LabCorp Variant Classification Summary - May 2015. Collection method: clinical testing. Allele origin: germline.
Comment: Variant summary: RAPSN c.3G>T (p.Met1Ile) alters the initiation codon and is predicted to result either in absence of the protein or truncation of the encoded protein due to translation initiation at a downstream codon. The next downstream start codon is Met40. A variant upstream of this codon (c.41T>C, p.Leu14Pro) has been classified as pathogenic/likely pathogenic, suggesting the canonical initiation codon is essential for protein function. The variant was absent in 251390 control chromosomes. To our knowledge, no occurrence of c.3G>T in individuals affected with RAPSN-related conditions and no experimental evidence demonstrating its impact on protein function have been reported. ClinVar contains an entry for this variant (Variation ID: 2166080). Based on the evidence outlined above, the variant was classified as pathogenic.

Labcorp Genetics (formerly Invitae), Labcorp
Classification: Pathogenic for Congenital myasthenic syndrome 11; Fetal akinesia deformation sequence 1. Last evaluated: 2024-02-28. Review status: criteria provided, single submitter. Criteria: Invitae Variant Classification Sherloc (09022015). Collection method: clinical testing. Allele origin: germline.
Comment: This sequence change affects the initiator methionine of the RAPSN mRNA. The next in-frame methionine is located at codon 40. This variant is not present in population databases (gnomAD no frequency). This variant has not been reported in the literature in individuals affected with RAPSN-related conditions. ClinVar contains an entry for this variant (Variation ID: 2166080). This variant disrupts a region of the RAPSN protein in which other variant(s) (p.Leu14Pro) have been determined to be pathogenic (PMID: 11791205, 12730725, 19620612). This suggests that this is a clinically significant region of the protein, and that variants that disrupt it are likely to be disease-causing. For these reasons, this variant has been classified as Pathogenic.

Literature cited by the submitters: PubMed 11791205 (cited by Labcorp Genetics (formerly Invitae), Labcorp); PubMed 12730725 (cited by Labcorp Genetics (formerly Invitae), Labcorp); PubMed 19620612 (cited by Labcorp Genetics (formerly Invitae), Labcorp).